The following is an entry in ClinVar:

ClinVar aggregate classification (germline): Uncertain significance (1 of 4 stars; one submission).

Conditions:
Ullrich congenital muscular dystrophy 2 (UCMD2). Identifiers: Orphanet 75840, MedGen C4225314, MONDO:0014654, OMIM 616470.
Bethlem myopathy 2 (BTHLM2). Identifiers: Orphanet 536516, Orphanet 610, MedGen C4225313, MONDO:0034022, OMIM 616471.

gnomAD v4.1: 10 of 1,613,786 alleles (0.00062%); highest among the groups gnomAD compares: Non-Finnish European, 0.00085%; no homozygotes.

Submission:

Labcorp Genetics (formerly Invitae), Labcorp
Classification: Uncertain significance for Bethlem myopathy 2; Ullrich congenital muscular dystrophy 2. Last evaluated: 2025-12-09. Review status: criteria provided, single submitter. Criteria: Invitae Variant Classification Sherloc (09022015). Collection method: clinical testing. Allele origin: germline.
Comment: This sequence change replaces alanine, which is neutral and non-polar, with threonine, which is neutral and polar, at codon 1255 of the COL12A1 protein (p.Ala1255Thr). This variant is not present in population databases (gnomAD no frequency). This variant has not been reported in the literature in individuals affected with COL12A1-related conditions. Invitae Evidence Modeling of protein sequence and biophysical properties (such as structural, functional, and spatial information, amino acid conservation, physicochemical variation, residue mobility, and thermodynamic stability) indicates that this missense variant is not expected to disrupt COL12A1 protein function with a negative predictive value of 80%. In summary, the available evidence is currently insufficient to determine the role of this variant in disease. Therefore, it has been classified as a Variant of Uncertain Significance.

NM_004370.6(COL12A1):c.3763G>A (p.Ala1255Thr)

Gene: COL12A1 (collagen type XII alpha 1 chain; minus strand). Cytogenetic location: 6q13.
Variant type: single nucleotide variant.
Coding change: c.3763G>A on transcript NM_004370.6 (MANE Select); coding-DNA position 3763, G replaced by A.
Protein change: p.Ala1255Thr; replaces alanine 1255 with threonine.
Molecular consequence: missense variant.
Genome position (GRCh38, 1-based): chr6:75,152,203, C>T on the plus strand (G>A on the coding strand, the complement: COL12A1 is on the minus strand). VCF-style: chr6-75152203-C-T. GRCh37 (hg19) VCF-style: chr6-75861919-C-T.
Other names: c.3763G>A, p.Ala1255Thr (NM_001424113.1, NM_001424114.1); c.3490G>A, p.Ala1164Thr (NM_001424115.1); c.271G>A, p.Ala91Thr (NM_001424116.1, NM_080645.3); short protein forms A1255T, A1164T, A91T.
Identifiers: ClinVar variation 4788043 (VCV004788043.1).